The following is an entry in ClinVar:

ClinVar aggregate classification (germline): Uncertain significance (1 of 4 stars; one submission).

Allele frequency attached by ClinVar (database versions not stated): 1000 Genomes Project 0.00020; gnomAD exomes 0.00002; ESP Exome Variant Server 0.00015; 1000 Genomes Project 30x 0.00031; ExAC 0.00002; gnomAD 0.00011; TOPMed 0.00008.
gnomAD v4.1: 25 of 1,611,550 alleles (0.0016%); highest among the groups gnomAD compares: African/African-American, 0.032%; no homozygotes.

Submission:

Labcorp Genetics (formerly Invitae), Labcorp
Classification: Uncertain significance. Last evaluated: 2025-11-05. Review status: criteria provided, single submitter. Criteria: Invitae Variant Classification Sherloc (09022015). Collection method: clinical testing. Allele origin: germline.
Comment: This sequence change falls in intron 13 of the DNM1L gene. It does not directly change the encoded amino acid sequence of the DNM1L protein. It affects a nucleotide within the consensus splice site. This variant is present in population databases (rs370869264, gnomAD 0.04%). This variant has not been reported in the literature in individuals affected with DNM1L-related conditions. ClinVar contains an entry for this variant (Variation ID: 1448873). Variants that disrupt the consensus splice site are a relatively common cause of aberrant splicing (PMID: 17576681, 9536098). Algorithms developed to predict the effect of sequence changes on RNA splicing suggest that this variant is not likely to affect RNA splicing. In summary, the available evidence is currently insufficient to determine the role of this variant in disease. Therefore, it has been classified as a Variant of Uncertain Significance.

Literature cited by the submitters: PubMed 17576681; PubMed 9536098.

NM_012062.5(DNM1L):c.1539+6T>G

Gene: DNM1L (dynamin 1 like; plus strand). Cytogenetic location: 12p11.21.
Variant type: single nucleotide variant.
Coding change: c.1539+6T>G on transcript NM_012062.5 (MANE Select); 6 bases into the intron after coding-DNA position 1539, T replaced by G.
Molecular consequence: intron variant.
Genome position (GRCh38, 1-based): chr12:32,733,813, T>G. VCF-style: chr12-32733813-T-G. GRCh37 (hg19) VCF-style: chr12-32886747-T-G.
Other names: c.1578+6T>G (NM_001278464.2, NM_001278465.2, NM_001330380.2); c.930+6T>G (NM_001278466.2); c.1539+6T>G (NM_001278463.2, NM_012063.4, NM_005690.5).
Identifiers: ClinVar variation 1448873 (VCV001448873.6), dbSNP rs370869264, ClinGen allele CA6507571.